The following is an entry in ClinVar:

NM_006208.3(ENPP1):c.134C>T (p.Ala45Val)

Gene: ENPP1 (ectonucleotide pyrophosphatase/phosphodiesterase 1; plus strand). Cytogenetic location: 6q23.2.
Variant type: single nucleotide variant.
Coding change: c.134C>T on transcript NM_006208.3 (MANE Select); coding-DNA position 134, C replaced by T.
Protein change: p.Ala45Val; replaces alanine 45 with valine.
Molecular consequence: missense variant.
Genome position (GRCh38, 1-based): chr6:131,808,169, C>T. VCF-style: chr6-131808169-C-T. GRCh37 (hg19) VCF-style: chr6-132129309-C-T.
Other names: c.134C>T (NM_006208.2); short protein forms A45V.
Identifiers: ClinVar variation 3619447 (VCV003619447.3).

ClinVar aggregate classification (germline): Uncertain significance. Review status: criteria provided, multiple submitters, no conflicts (2 of 4 stars). 2 submissions from 2 submitters: Uncertain significance (2). Last evaluated 2025-05-06.

Conditions:
Inborn genetic diseases. Identifiers: MedGen C0950123, MeSH D030342.

gnomAD v4.1: 24 of 1,459,844 alleles (0.0016%); highest among the groups gnomAD compares: East Asian, 0.003%; no homozygotes.

Submissions (2):

Ambry Genetics
Classification: Uncertain significance for Inborn genetic diseases. Last evaluated: 2025-05-06. Review status: criteria provided, single submitter. Criteria: Ambry Variant Classification Scheme 2023. Collection method: clinical testing. Allele origin: germline.

Labcorp Genetics (formerly Invitae), Labcorp
Classification: Uncertain significance. Last evaluated: 2024-12-07. Review status: criteria provided, single submitter. Criteria: Invitae Variant Classification Sherloc (09022015). Collection method: clinical testing. Allele origin: germline.
Comment: This sequence change replaces alanine, which is neutral and non-polar, with valine, which is neutral and non-polar, at codon 45 of the ENPP1 protein (p.Ala45Val). The frequency data for this variant in the population databases is considered unreliable, as metrics indicate poor data quality at this position in the gnomAD database. This variant has not been reported in the literature in individuals affected with ENPP1-related conditions. An algorithm developed to predict the effect of missense changes on protein structure and function (PolyPhen-2) suggests that this variant is likely to be tolerated. In summary, the available evidence is currently insufficient to determine the role of this variant in disease. Therefore, it has been classified as a Variant of Uncertain Significance.